The following is an entry in ClinVar:

NM_001365951.3(KIF1B):c.4397A>G (p.Asp1466Gly)

Gene: KIF1B (kinesin family member 1B; plus strand). Cytogenetic location: 1p36.22.
Variant type: single nucleotide variant.
Coding change: c.4397A>G on transcript NM_001365951.3 (MANE Select); coding-DNA position 4397, A replaced by G.
Protein change: p.Asp1466Gly; replaces aspartic acid 1466 with glycine.
Molecular consequence: missense variant.
Genome position (GRCh38, 1-based): chr1:10,365,130, A>G. VCF-style: chr1-10365130-A-G. GRCh37 (hg19) VCF-style: chr1-10425188-A-G.
Other names: c.4397A>G, p.Asp1466Gly (NM_001365952.1); c.4259A>G, p.Asp1420Gly (NM_015074.3); short protein forms D1420G, D1466G.
Identifiers: ClinVar variation 4543651 (VCV004543651.1).
Genomic context (GRCh38, chr1:10,365,130, plus strand): 5'-GAAACAAAAACTTGTTTCCTCTTGTCTTAGGTATGCAGAGAAGGAGAAGAAAAATCTTAG[A>G]TACGTCAGTGGCATATGTGCGGGGAGAAGAGAACTTAGCAGGCTGGCGGCCCCGTGGAGA-3'
Protein context (NP_001352880.1, residues 1456-1476): GMQRRRRKIL[Asp1466Gly]TSVAYVRGEE

ClinVar aggregate classification (germline): Uncertain significance (1 of 4 stars; one submission).

Submission:

Ambry Genetics
Classification: Uncertain significance. Last evaluated: 2025-10-25. Review status: criteria provided, single submitter. Criteria: Ambry Variant Classification Scheme 2023. Collection method: clinical testing. Allele origin: germline.
Comment: The p.D1420G variant (also known as c.4259A>G), located in coding exon 39 of the KIF1B gene, results from an A to G substitution at nucleotide position 4259. The aspartic acid at codon 1420 is replaced by glycine, an amino acid with similar properties. This amino acid position is conserved. In addition, this alteration is predicted to be deleterious by in silico analysis. Based on the available evidence, the clinical significance of this variant remains unclear.